The following is an entry in ClinVar:

ClinVar aggregate classification (germline): Uncertain significance (1 of 4 stars; one submission).

Conditions:
Primary ciliary dyskinesia. Also called: Ciliary dyskinesia. Identifiers: Orphanet 244, MedGen C0008780, MONDO:0016575, HP:0012265.

Submission:

Ambry Genetics
Classification: Uncertain significance for Primary ciliary dyskinesia. Last evaluated: 2024-10-04. Review status: criteria provided, single submitter. Criteria: Ambry Variant Classification Scheme 2023. Collection method: clinical testing. Allele origin: germline.
Comment: The p.P2879L variant (also known as c.8636C>T), located in coding exon 51 of the DNAH5 gene, results from a C to T substitution at nucleotide position 8636. The proline at codon 2879 is replaced by leucine, an amino acid with similar properties. This amino acid position is conserved. In addition, the in silico prediction for this alteration is inconclusive. Based on the available evidence, the clinical significance of this variant remains unclear.

NM_001369.3(DNAH5):c.8636C>T (p.Pro2879Leu)

Gene: DNAH5 (dynein axonemal heavy chain 5; minus strand). Cytogenetic location: 5p15.2.
Variant type: single nucleotide variant.
Coding change: c.8636C>T on transcript NM_001369.3 (MANE Select); coding-DNA position 8636, C replaced by T.
Protein change: p.Pro2879Leu; replaces proline 2879 with leucine.
Molecular consequence: missense variant.
Genome position (GRCh38, 1-based): chr5:13,788,727, G>A on the plus strand (C>T on the coding strand, the complement: DNAH5 is on the minus strand). VCF-style: chr5-13788727-G-A. GRCh37 (hg19) VCF-style: chr5-13788836-G-A.
Other names: short protein forms P2879L.
Identifiers: ClinVar variation 3503505 (VCV003503505.1).